The following is an entry in ClinVar:

NM_004974.4(KCNA2):c.862A>G (p.Met288Val)

Gene: KCNA2 (potassium voltage-gated channel subfamily A member 2; minus strand). Cytogenetic location: 1p13.3.
Variant type: single nucleotide variant.
Coding change: c.862A>G on transcript NM_004974.4 (MANE Select); coding-DNA position 862, A replaced by G.
Protein change: p.Met288Val; replaces methionine 288 with valine.
Molecular consequence: missense variant.
Genome position (GRCh38, 1-based): chr1:110,603,921, T>C on the plus strand (A>G on the coding strand, the complement: KCNA2 is on the minus strand). VCF-style: chr1-110603921-T-C. GRCh37 (hg19) VCF-style: chr1-111146543-T-C.
Other names: c.862A>G, p.Met288Val (NM_001204269.2); short protein forms M288V.
Identifiers: ClinVar variation 1026363 (VCV001026363.9), dbSNP rs1486839913, ClinGen allele CA341603010.

ClinVar aggregate classification (germline): Uncertain significance (1 of 4 stars; one submission).

Conditions:
Developmental and epileptic encephalopathy, 32 (DEE32). Also called: Epileptic encephalopathy, early infantile, 32. Identifiers: Orphanet 442835, MedGen C4225350, MONDO:0014607, OMIM 616366.

Allele frequency attached by ClinVar (database versions not stated): gnomAD exomes below 0.00001; gnomAD 0.00001; TOPMed 0.00001.
gnomAD v4.1: 4 of 1,614,110 alleles (0.00025%); highest among the groups gnomAD compares: Non-Finnish European, 0.000085%; no homozygotes.

Submission:

Labcorp Genetics (formerly Invitae), Labcorp
Classification: Uncertain significance for Developmental and epileptic encephalopathy, 32. Last evaluated: 2022-06-13. Review status: criteria provided, single submitter. Criteria: Invitae Variant Classification Sherloc (09022015). Collection method: clinical testing. Allele origin: germline.
Comment: ClinVar contains an entry for this variant (Variation ID: 1026363). In summary, the available evidence is currently insufficient to determine the role of this variant in disease. Therefore, it has been classified as a Variant of Uncertain Significance. Algorithms developed to predict the effect of missense changes on protein structure and function are either unavailable or do not agree on the potential impact of this missense change (SIFT: "Deleterious"; PolyPhen-2: "Possibly Damaging"; Align-GVGD: "Class C15"). This variant has not been reported in the literature in individuals affected with KCNA2-related conditions. This variant is present in population databases (no rsID available, gnomAD 0.0009%). This sequence change replaces methionine, which is neutral and non-polar, with valine, which is neutral and non-polar, at codon 288 of the KCNA2 protein (p.Met288Val).